The following is an entry in ClinVar:

NM_000268.4(NF2):c.465dup (p.Ser156fs)

Gene: NF2 (NF2, moesin-ezrin-radixin like (MERLIN) tumor suppressor; plus strand). Cytogenetic location: 22q12.2.
Variant type: Duplication.
Coding change: c.465dup on transcript NM_000268.4 (MANE Select); coding-DNA position 465, one base duplicated (C; older notation c.465dupC).
Protein change: p.Ser156fs; shifts the reading frame from serine 156.
Molecular consequence: frameshift variant. On other transcripts: non-coding transcript variant (1), intron variant (1).
Genome position (GRCh38, 1-based): chr22:29,654,674, C duplicated; the last of 4 consecutive C bases (chr22:29,654,671-29,654,674); duplicating any one gives the same sequence. VCF-style (leftmost placement, unchanged base first): chr22-29654670-A-AC. GRCh37 (hg19) VCF-style: chr22-30050659-A-AC.
Other names: c.351dup, p.Ser118Glnfs (NM_001407053.1, NM_001407056.1); c.342dup, p.Ser115Glnfs (NM_001407054.1, NM_001407058.1, NM_001407062.1); c.339dup, p.Ser114Glnfs (NM_001407055.1); c.465dup, p.Ser156Glnfs (NM_001407057.1, NM_001407059.1, NM_001407060.1 and 1 more transcripts); c.216dup, p.Ser73Glnfs (NM_001407063.1, NM_001407064.1); c.-176dup (NM_001407065.1); c.234dup, p.Ser79Glnfs (NM_001407067.1); c.465dup, p.Ser156fs (NM_016418.5, NM_181825.3, NM_181832.3); and 5 more; short protein forms S115fs, S114fs, S156fs, S73fs.
Identifiers: ClinVar variation 1742237 (VCV001742237.2), dbSNP rs1555992948, ClinGen allele CA2580099437.

ClinVar aggregate classification (germline): Pathogenic (1 of 4 stars; one submission).

Conditions:
Hereditary cancer-predisposing syndrome. Also called: Hereditary Cancer Syndrome; Hereditary neoplastic syndrome; Neoplastic Syndromes, Hereditary; Tumor predisposition. Identifiers: Orphanet 140162, MedGen C0027672, MeSH D009386, MONDO:0015356.

Submission:

Ambry Genetics
Classification: Pathogenic for Hereditary cancer-predisposing syndrome. Last evaluated: 2022-02-24. Review status: criteria provided, single submitter. Criteria: Ambry Variant Classification Scheme 2023. Collection method: clinical testing. Allele origin: germline.
Comment: The c.465dupC variant, located in coding exon 5 of the NF2 gene, results from a duplication of C at nucleotide position 465. This changes the amino acid at position 156 from a serine to a glutamine (p.S156Qfs*47) and causes a translational frameshift with a predicted alternate stop codon. This variant is considered to be rare based on population cohorts in the Genome Aggregation Database (gnomAD). This alteration is expected to result in loss of function by premature protein truncation or nonsense-mediated mRNA decay. As such, this alteration is interpreted as a disease-causing mutation.